The following is an entry in ClinVar:

NM_005251.3(FOXC2):c.772G>A (p.Glu258Lys)

Gene: FOXC2 (forkhead box C2; plus strand). Cytogenetic location: 16q24.1.
Variant type: single nucleotide variant.
Coding change: c.772G>A on transcript NM_005251.3 (MANE Select); coding-DNA position 772, G replaced by A.
Protein change: p.Glu258Lys; replaces glutamic acid 258 with lysine.
Molecular consequence: missense variant.
Genome position (GRCh38, 1-based): chr16:86,568,107, G>A. VCF-style: chr16-86568107-G-A. GRCh37 (hg19) VCF-style: chr16-86601713-G-A.
Other names: short protein forms E258K.
Identifiers: ClinVar variation 4704463 (VCV004704463.1).

ClinVar aggregate classification (germline): Uncertain significance (1 of 4 stars; one submission).

Submission:

Labcorp Genetics (formerly Invitae), Labcorp
Classification: Uncertain significance. Last evaluated: 2025-08-19. Review status: criteria provided, single submitter. Criteria: Invitae Variant Classification Sherloc (09022015). Collection method: clinical testing. Allele origin: germline.
Comment: This sequence change replaces glutamic acid, which is acidic and polar, with lysine, which is basic and polar, at codon 258 of the FOXC2 protein (p.Glu258Lys). This variant is not present in population databases (gnomAD no frequency). This variant has not been reported in the literature in individuals affected with FOXC2-related conditions. An algorithm developed to predict the effect of missense changes on protein structure and function (PolyPhen-2) suggests that this variant is likely to be tolerated. In summary, the available evidence is currently insufficient to determine the role of this variant in disease. Therefore, it has been classified as a Variant of Uncertain Significance.